The following is an entry in ClinVar:

ClinVar aggregate classification (germline): Uncertain significance. Review status: criteria provided, multiple submitters, no conflicts (2 of 4 stars). 3 submissions from 3 submitters: Uncertain significance (3). Last evaluated 2026-01-19.

Conditions:
Inborn genetic diseases. Identifiers: MedGen C0950123, MeSH D030342.

Allele frequency attached by ClinVar (database versions not stated): 1000 Genomes Project 0.00040; gnomAD exomes 0.00045 and 0.00119; ExAC 0.00046; 1000 Genomes Project 30x 0.00062; ESP Exome Variant Server 0.00062; TOPMed 0.00062; gnomAD 0.00063 and 0.00064.

Submissions (5):

Labcorp Genetics (formerly Invitae), Labcorp
Classification: Uncertain significance. Last evaluated: 2026-01-19. Review status: criteria provided, single submitter. Criteria: Invitae Variant Classification Sherloc (09022015). Collection method: clinical testing. Allele origin: germline.
Comment: This sequence change replaces serine, which is neutral and polar, with glycine, which is neutral and non-polar, at codon 792 of the POP1 protein (p.Ser792Gly). This variant is present in population databases (rs200026675, gnomAD 0.08%). This variant has not been reported in the literature in individuals affected with POP1-related conditions. ClinVar contains an entry for this variant (Variation ID: 1516564). An algorithm developed to predict the effect of missense changes on protein structure and function outputs the following: PolyPhen-2: "Benign". The glycine amino acid residue is found in multiple mammalian species, which suggests that this missense change does not adversely affect protein function. In summary, the available evidence is currently insufficient to determine the role of this variant in disease. Therefore, it has been classified as a Variant of Uncertain Significance.

Ambry Genetics
Classification: Uncertain significance for Inborn genetic diseases. Last evaluated: 2024-06-17. Review status: criteria provided, single submitter. Criteria: Ambry Variant Classification Scheme 2023. Collection method: clinical testing. Allele origin: germline.

Breakthrough Genomics
Classification: Uncertain significance. Review status: criteria provided, single submitter. Criteria: ACMG Guidelines, 2015. Collection method: not provided. Allele origin: germline. Inheritance: Autosomal recessive inheritance. Affected: yes.

Dr. Peter K. Rogan Lab, Western University
No classification provided (evidence only). Condition: Acute myeloid leukemia. Review status: no classification provided. Collection method: in vitro. Allele origin: not applicable. Functional consequence: retained intron. Not counted in ClinVar's aggregate classification.

Dr. Peter K. Rogan Lab, Western University
No classification provided (evidence only). Condition: Ovarian serous cystadenocarcinoma. Review status: no classification provided. Collection method: in vitro. Allele origin: not applicable. Functional consequence: retained intron. Not counted in ClinVar's aggregate classification.

NM_001145860.2(POP1):c.2374A>G (p.Ser792Gly)

Gene: POP1 (POP1 ribonuclease P/MRP subunit; plus strand). Cytogenetic location: 8q22.2.
Variant type: single nucleotide variant.
Coding change: c.2374A>G on transcript NM_001145860.2 (MANE Select); coding-DNA position 2374, A replaced by G.
Protein change: p.Ser792Gly; replaces serine 792 with glycine.
Molecular consequence: missense variant.
Genome position (GRCh38, 1-based): chr8:98,156,366, A>G. VCF-style: chr8-98156366-A-G. GRCh37 (hg19) VCF-style: chr8-99168594-A-G.
Other names: c.2374A>G (NM_015029.2); c.2374A>G, p.Ser792Gly (NM_001145861.2, NM_015029.3); short protein forms S792G.
Identifiers: ClinVar variation 1516564 (VCV001516564.9), dbSNP rs200026675, ClinGen allele CA4820809.